The following is an entry in ClinVar:

NM_000512.5(GALNS):c.43C>G (p.Leu15Val)

Genes: GALNS (galactosamine (N-acetyl)-6-sulfatase; minus strand), TRAPPC2L (trafficking protein particle complex subunit 2L; plus strand), LOC130059762 (ATAC-STARR-seq lymphoblastoid silent region 7883; plus strand). Cytogenetic location: 16q24.3.
Variant type: single nucleotide variant.
Coding change: c.43C>G on transcript NM_000512.5 (MANE Select); coding-DNA position 43, C replaced by G.
Protein change: p.Leu15Val; replaces leucine 15 with valine.
Molecular consequence: missense variant. On other transcripts: 5 prime UTR variant (2).
Genome position (GRCh38, 1-based): chr16:88,856,835, G>C on the plus strand (C>G on the coding strand, the complement: GALNS is on the minus strand). VCF-style: chr16-88856835-G-C. GRCh37 (hg19) VCF-style: chr16-88923243-G-C.
Other names: c.-389C>G (NM_001323543.2); c.-110C>G (NM_001323544.2); short protein forms L15V.
Identifiers: ClinVar variation 4811408 (VCV004811408.1).

ClinVar aggregate classification (germline): Uncertain significance (1 of 4 stars; one submission).

Conditions:
Mucopolysaccharidosis, MPS-IV-A (MPS4A). Also called: Mucopolysaccharidosis type IV A; Mucopolysaccharidosis Type IVA; Morquio syndrome A, mild; MORQUIO SYNDROME A; GALACTOSAMINE-6-SULFATASE DEFICIENCY; GALNS DEFICIENCY. Identifiers: Orphanet 309297, Orphanet 582, MedGen C0086651, MONDO:0009659, OMIM 253000.

gnomAD v4.1: 1 of 1,521,148 alleles (0.000066%); highest among the groups gnomAD compares: Non-Finnish European, 0.000087%; no homozygotes.

Submission:

Labcorp Genetics (formerly Invitae), Labcorp
Classification: Uncertain significance for Mucopolysaccharidosis, MPS-IV-A. Last evaluated: 2025-08-04. Review status: criteria provided, single submitter. Criteria: Invitae Variant Classification Sherloc (09022015). Collection method: clinical testing. Allele origin: germline.
Comment: This sequence change replaces leucine, which is neutral and non-polar, with valine, which is neutral and non-polar, at codon 15 of the GALNS protein (p.Leu15Val). This variant is not present in population databases (gnomAD no frequency). This variant has not been reported in the literature in individuals affected with GALNS-related conditions. Invitae Evidence Modeling of protein sequence and biophysical properties (such as structural, functional, and spatial information, amino acid conservation, physicochemical variation, residue mobility, and thermodynamic stability) has been performed for this missense variant. However, the output from this modeling did not meet the statistical confidence thresholds required to predict the impact of this variant on GALNS protein function. In summary, the available evidence is currently insufficient to determine the role of this variant in disease. Therefore, it has been classified as a Variant of Uncertain Significance.